The following is an entry in ClinVar:

NM_001382430.1(AKT1):c.1190A>C (p.Glu397Ala)

Gene: AKT1 (AKT serine/threonine kinase 1; minus strand). Cytogenetic location: 14q32.33.
Variant type: single nucleotide variant.
Coding change: c.1190A>C on transcript NM_001382430.1 (MANE Select); coding-DNA position 1190, A replaced by C.
Protein change: p.Glu397Ala; replaces glutamic acid 397 with alanine.
Molecular consequence: missense variant.
Genome position (GRCh38, 1-based): chr14:104,772,435, T>G on the plus strand (A>C on the coding strand, the complement: AKT1 is on the minus strand). VCF-style: chr14-104772435-T-G. GRCh37 (hg19) VCF-style: chr14-105238772-T-G.
Other names: c.1190A>C, p.Glu397Ala (NM_001014431.2, NM_001014432.2, NM_001382431.1 and 3 more transcripts); short protein forms E397A.
Identifiers: ClinVar variation 2869045 (VCV002869045.3), dbSNP rs766798551, ClinGen allele CA7374531.

ClinVar aggregate classification (germline): Uncertain significance (1 of 4 stars; one submission).

Conditions:
Cowden syndrome 6 (CWS6). Identifiers: Orphanet 201, MedGen C3554519, MONDO:0014048, OMIM 615109.

Allele frequency attached by ClinVar (database versions not stated): gnomAD 0.00001; gnomAD exomes 0.00003; ExAC 0.00005.

Submission:

Labcorp Genetics (formerly Invitae), Labcorp
Classification: Uncertain significance for Cowden syndrome 6. Last evaluated: 2024-03-29. Review status: criteria provided, single submitter. Criteria: Invitae Variant Classification Sherloc (09022015). Collection method: clinical testing. Allele origin: germline.
Comment: This sequence change replaces glutamic acid, which is acidic and polar, with alanine, which is neutral and non-polar, at codon 397 of the AKT1 protein (p.Glu397Ala). This variant is present in population databases (rs766798551, gnomAD 0.03%). This variant has not been reported in the literature in individuals affected with AKT1-related conditions. An algorithm developed to predict the effect of missense changes on protein structure and function (PolyPhen-2) suggests that this variant is likely to be tolerated. In summary, the available evidence is currently insufficient to determine the role of this variant in disease. Therefore, it has been classified as a Variant of Uncertain Significance.